The following is an entry in ClinVar:

NM_018714.3(COG1):c.1504G>A (p.Gly502Ser)

Gene: COG1 (component of oligomeric golgi complex 1; plus strand). Cytogenetic location: 17q25.1.
Variant type: single nucleotide variant.
Coding change: c.1504G>A on transcript NM_018714.3 (MANE Select); coding-DNA position 1504, G replaced by A.
Protein change: p.Gly502Ser; replaces glycine 502 with serine.
Molecular consequence: missense variant.
Genome position (GRCh38, 1-based): chr17:73,201,331, G>A. VCF-style: chr17-73201331-G-A. GRCh37 (hg19) VCF-style: chr17-71197470-G-A.
Other names: short protein forms G502S.
Identifiers: ClinVar variation 1525294 (VCV001525294.6), dbSNP rs770925715, ClinGen allele CA8740247.

ClinVar aggregate classification (germline): Uncertain significance (1 of 4 stars; one submission).

Conditions:
COG1 congenital disorder of glycosylation (CDG2G). Also called: CDG IIg; CDGII/COG1 CEREBROCOSTOMANDIBULAR-LIKE SYNDROME; CONGENITAL DISORDER OF GLYCOSYLATION, TYPE IIg. Identifiers: Orphanet 263508, MedGen C2931011, MONDO:0012637, OMIM 611209.

Allele frequency attached by ClinVar (database versions not stated): gnomAD exomes below 0.00001; ExAC 0.00001; gnomAD 0.00001; TOPMed 0.00002.
gnomAD v4.1: 6 of 1,614,166 alleles (0.00037%); highest among the groups gnomAD compares: African/African-American, 0.0013%; no homozygotes.

Submission:

Labcorp Genetics (formerly Invitae), Labcorp
Classification: Uncertain significance for COG1 congenital disorder of glycosylation. Last evaluated: 2023-11-27. Review status: criteria provided, single submitter. Criteria: Invitae Variant Classification Sherloc (09022015). Collection method: clinical testing. Allele origin: germline.
Comment: This sequence change replaces glycine, which is neutral and non-polar, with serine, which is neutral and polar, at codon 502 of the COG1 protein (p.Gly502Ser). This variant is present in population databases (rs770925715, gnomAD 0.002%). This variant has not been reported in the literature in individuals affected with COG1-related conditions. ClinVar contains an entry for this variant (Variation ID: 1525294). Advanced modeling of protein sequence and biophysical properties (such as structural, functional, and spatial information, amino acid conservation, physicochemical variation, residue mobility, and thermodynamic stability) performed at Invitae indicates that this missense variant is not expected to disrupt COG1 protein function with a negative predictive value of 80%. In summary, the available evidence is currently insufficient to determine the role of this variant in disease. Therefore, it has been classified as a Variant of Uncertain Significance.